The following is an entry in ClinVar:

ClinVar aggregate classification (germline): Uncertain significance (1 of 4 stars; one submission).

Conditions:
Hereditary cancer-predisposing syndrome. Also called: Neoplastic Syndromes, Hereditary; Tumor predisposition; Hereditary neoplastic syndrome; Hereditary Cancer Syndrome. Identifiers: Orphanet 140162, MedGen C0027672, MeSH D009386, MONDO:0015356.

Submission:

Ambry Genetics
Classification: Uncertain significance for Hereditary cancer-predisposing syndrome. Last evaluated: 2026-07-07. Review status: criteria provided, single submitter. Criteria: Ambry Variant Classification Scheme 2023. Collection method: clinical testing. Allele origin: germline.
Comment: The p.T108K variant (also known as c.323C>A), located in coding exon 3 of the SUFU gene, results from a C to A substitution at nucleotide position 323. The threonine at codon 108 is replaced by lysine, an amino acid with similar properties. This amino acid position is conserved. In addition, this alteration is predicted to be deleterious by in silico analysis. Based on the available evidence, the clinical significance of this variant remains unclear.

NM_016169.4(SUFU):c.323C>A (p.Thr108Lys)

Gene: SUFU (SUFU negative regulator of hedgehog signaling; plus strand). Cytogenetic location: 10q24.32.
Variant type: single nucleotide variant.
Coding change: c.323C>A on transcript NM_016169.4 (MANE Select); coding-DNA position 323, C replaced by A.
Protein change: p.Thr108Lys; replaces threonine 108 with lysine.
Molecular consequence: missense variant.
Genome position (GRCh38, 1-based): chr10:102,549,975, C>A. VCF-style: chr10-102549975-C-A. GRCh37 (hg19) VCF-style: chr10-104309732-C-A.
Other names: c.323C>A, p.Thr108Lys (NM_001178133.2); short protein forms T108K.
Identifiers: ClinVar variation 5030413 (VCV005030413.1).